The following is an entry in ClinVar:

ClinVar aggregate classification (germline): Pathogenic (1 of 4 stars; one submission).

Conditions:
Hereditary cancer-predisposing syndrome. Also called: Hereditary Cancer Syndrome; Neoplastic Syndromes, Hereditary; Tumor predisposition; Hereditary neoplastic syndrome. Identifiers: Orphanet 140162, MedGen C0027672, MeSH D009386, MONDO:0015356.

Submission:

Ambry Genetics
Classification: Pathogenic for Hereditary cancer-predisposing syndrome. Last evaluated: 2018-10-09. Review status: criteria provided, single submitter. Criteria: Ambry Variant Classification Scheme 2023. Collection method: clinical testing. Allele origin: germline.
Comment: The c.524delC variant, located in coding exon 5 of the RB1 gene, results from a deletion of one nucleotide at nucleotide position 524, causing a translational frameshift with a predicted alternate stop codon (p.T175Nfs*11). This alteration is expected to result in loss of function by premature protein truncation or nonsense-mediated mRNA decay. As such, this alteration is interpreted as a disease-causing mutation.

NM_000321.3(RB1):c.524del (p.Thr175fs)

Gene: RB1 (RB transcriptional corepressor 1; plus strand). Cytogenetic location: 13q14.2.
Variant type: Deletion.
Coding change: c.524del on transcript NM_000321.3 (MANE Select); coding-DNA position 524, one base deleted (C; older notation c.524delC).
Protein change: p.Thr175fs; shifts the reading frame from threonine 175.
Molecular consequence: frameshift variant.
Genome position (GRCh38, 1-based): chr13:48,347,848, C deleted. VCF-style (leftmost placement, unchanged base first): chr13-48347847-AC-A. GRCh37 (hg19) VCF-style: chr13-48921983-AC-A.
Other names: c.524delC, p.Thr175Asnfs (NM_001407165.1, NM_001407166.1); short protein forms T175fs.
Identifiers: ClinVar variation 1746347 (VCV001746347.2), dbSNP rs2542163706, ClinGen allele CA2580088110.